The following is an entry in ClinVar:

ClinVar aggregate classification (germline): Likely benign. Review status: criteria provided, multiple submitters, no conflicts (2 of 4 stars). 2 submissions from 2 submitters: Likely benign (2). Last evaluated 2024-10-17.

Conditions:
Hereditary leiomyomatosis and renal cell cancer. Also called: MULTIPLE CUTANEOUS AND UTERINE LEIOMYOMATA 1, WITH OR WITHOUT RENAL CELL CARCINOMA; LEIOMYOMA, MULTIPLE CUTANEOUS; Familial leiomyomatosis; FH tumor predisposition syndrome; Reed syndrome; Multiple cutaneous and uterine leiomyomatosis. Identifiers: Orphanet 523, MedGen C1708350, MONDO:0007888, OMIM 150800, HP:0007437. Disease mechanism: loss of function.

Submissions (2):

Myriad Genetics, Inc.
Classification: Likely benign for Hereditary leiomyomatosis and renal cell cancer. Last evaluated: 2024-10-17. Review status: criteria provided, single submitter. Criteria: Myriad Autosomal Dominant, Autosomal Recessive and X-Linked Classification Criteria (2023). Collection method: clinical testing. Allele origin: unknown.
Comment: This variant is considered likely benign. This variant is intronic and is not expected to impact mRNA splicing.

Labcorp Genetics (formerly Invitae), Labcorp
Classification: Likely benign. Last evaluated: 2020-08-01. Review status: criteria provided, single submitter. Criteria: Invitae Variant Classification Sherloc (09022015). Collection method: clinical testing. Allele origin: germline.

NM_000143.4(FH):c.133-8G>C

Gene: FH (fumarate hydratase; minus strand). Cytogenetic location: 1q43.
Variant type: single nucleotide variant.
Coding change: c.133-8G>C on transcript NM_000143.4 (MANE Select); 8 bases into the intron before coding-DNA position 133, G replaced by C.
Molecular consequence: intron variant.
Genome position (GRCh38, 1-based): chr1:241,517,324, C>G on the plus strand (G>C on the coding strand, the complement: FH is on the minus strand). VCF-style: chr1-241517324-C-G. GRCh37 (hg19) VCF-style: chr1-241680624-C-G.
Identifiers: ClinVar variation 1145708 (VCV001145708.10), dbSNP rs2147925319, ClinGen allele CA2499214638.